The following is an entry in ClinVar:

ClinVar aggregate classification (germline): Uncertain significance. Review status: criteria provided, multiple submitters, no conflicts (2 of 4 stars). 2 submissions from 2 submitters: Uncertain significance (2). Last evaluated 2025-10-01.

Conditions:
Hereditary cancer-predisposing syndrome. Also called: Neoplastic Syndromes, Hereditary; Tumor predisposition; Hereditary Cancer Syndrome; Hereditary neoplastic syndrome. Identifiers: Orphanet 140162, MedGen C0027672, MeSH D009386, MONDO:0015356.
Tuberous sclerosis 2 (TSC2). Identifiers: Orphanet 805, MedGen C1860707, MONDO:0013199, OMIM 613254.

Submissions (2):

Labcorp Genetics (formerly Invitae), Labcorp
Classification: Uncertain significance for Tuberous sclerosis 2. Last evaluated: 2025-10-01. Review status: criteria provided, single submitter. Criteria: Invitae Variant Classification Sherloc (09022015). Collection method: clinical testing. Allele origin: germline.
Comment: This sequence change replaces leucine, which is neutral and non-polar, with methionine, which is neutral and non-polar, at codon 1575 of the TSC2 protein (p.Leu1575Met). This variant is not present in population databases (gnomAD no frequency). This variant has not been reported in the literature in individuals affected with TSC2-related conditions. Invitae Evidence Modeling of protein sequence and biophysical properties (such as structural, functional, and spatial information, amino acid conservation, physicochemical variation, residue mobility, and thermodynamic stability) indicates that this missense variant is not expected to disrupt TSC2 protein function with a negative predictive value of 95%. In summary, the available evidence is currently insufficient to determine the role of this variant in disease. Therefore, it has been classified as a Variant of Uncertain Significance.

Ambry Genetics
Classification: Uncertain significance for Hereditary cancer-predisposing syndrome. Last evaluated: 2025-06-20. Review status: criteria provided, single submitter. Criteria: Ambry Variant Classification Scheme 2023. Collection method: clinical testing. Allele origin: germline.
Comment: The p.L1575M variant (also known as c.4723C>A), located in coding exon 36 of the TSC2 gene, results from a C to A substitution at nucleotide position 4723. The leucine at codon 1575 is replaced by methionine, an amino acid with highly similar properties. This amino acid position is conserved. In addition, this alteration is predicted to be deleterious by in silico analysis. Based on the available evidence, the clinical significance of this variant remains unclear.

NM_000548.5(TSC2):c.4723C>A (p.Leu1575Met)

Gene: TSC2 (TSC complex subunit 2; plus strand). Cytogenetic location: 16p13.3.
Variant type: single nucleotide variant.
Coding change: c.4723C>A on transcript NM_000548.5 (MANE Select); coding-DNA position 4723, C replaced by A.
Protein change: p.Leu1575Met; replaces leucine 1575 with methionine.
Molecular consequence: missense variant. On other transcripts: non-coding transcript variant (5).
Genome position (GRCh38, 1-based): chr16:2,086,253, C>A. VCF-style: chr16-2086253-C-A. GRCh37 (hg19) VCF-style: chr16-2136254-C-A.
Other names: c.4522C>A, p.Leu1508Met (NM_001077183.3); c.4654C>A, p.Leu1552Met (NM_001114382.3); c.4414C>A, p.Leu1472Met (NM_001318827.2); c.4378C>A, p.Leu1460Met (NM_001318829.2); c.3991C>A, p.Leu1331Met (NM_001318831.2); c.4555C>A, p.Leu1519Met (NM_001318832.2); c.4525C>A, p.Leu1509Met (NM_001363528.2); c.4591C>A, p.Leu1531Met (NM_001370404.1); and 26 more; short protein forms L1084M, L1104M, L1309M, L1351M, L1355M, L1375M, L1460M, L1471M.
Identifiers: ClinVar variation 4192133 (VCV004192133.2).